The following is an entry in ClinVar:

NM_004360.5(CDH1):c.118A>G (p.Thr40Ala)

Gene: CDH1 (cadherin 1; plus strand). Cytogenetic location: 16q22.1.
Variant type: single nucleotide variant.
Coding change: c.118A>G on transcript NM_004360.5 (MANE Select); coding-DNA position 118, A replaced by G.
Protein change: p.Thr40Ala; replaces threonine 40 with alanine.
Molecular consequence: missense variant. On other transcripts: 5 prime UTR variant (2).
Genome position (GRCh38, 1-based): chr16:68,738,366, A>G. VCF-style: chr16-68738366-A-G. GRCh37 (hg19) VCF-style: chr16-68772269-A-G.
Other names: c.118A>G, p.Thr40Ala (NM_001317184.2); c.-1498A>G (NM_001317185.2); c.-1702A>G (NM_001317186.2); short protein forms T40A.
Identifiers: ClinVar variation 2850569 (VCV002850569.3), dbSNP rs876661278, ClinGen allele CA396452099.
Genomic context (GRCh38, chr16:68,738,366, plus strand): 5'-TGGCTCTGCCAGGAGCCGGAGCCCTGCCACCCTGGCTTTGACGCCGAGAGCTACACGTTC[A>G]CGGTGCCCCGGCGCCACCTGGAGAGAGGCCGCGTCCTGGGCAGAGGTGAGGGCGCGCTGC-3'
Protein context (NP_004351.1, residues 30-50): PGFDAESYTF[Thr40Ala]VPRRHLERGR

ClinVar aggregate classification (germline): Uncertain significance (1 of 4 stars; one submission).

Conditions:
Hereditary diffuse gastric adenocarcinoma (HDGC). Also called: DIFFUSE GASTRIC AND LOBULAR BREAST CANCER SYNDROME. Identifiers: Orphanet 26106, MedGen C1708349, MONDO:0007648, OMIM 137215.

Submission:

Labcorp Genetics (formerly Invitae), Labcorp
Classification: Uncertain significance for Hereditary diffuse gastric adenocarcinoma. Last evaluated: 2023-03-29. Review status: criteria provided, single submitter. Criteria: Invitae Variant Classification Sherloc (09022015). Collection method: clinical testing. Allele origin: germline.
Comment: This sequence change replaces threonine, which is neutral and polar, with alanine, which is neutral and non-polar, at codon 40 of the CDH1 protein (p.Thr40Ala). In summary, the available evidence is currently insufficient to determine the role of this variant in disease. Therefore, it has been classified as a Variant of Uncertain Significance. An algorithm developed to predict the effect of missense changes on protein structure and function (PolyPhen-2) suggests that this variant is likely to be tolerated. This variant has not been reported in the literature in individuals affected with CDH1-related conditions. This variant is not present in population databases (gnomAD no frequency).